The following is an entry in ClinVar:

NM_000384.3(APOB):c.4337A>G (p.Asn1446Ser)

Gene: APOB (apolipoprotein B; minus strand). Cytogenetic location: 2p24.1.
Variant type: single nucleotide variant.
Coding change: c.4337A>G on transcript NM_000384.3 (MANE Select); coding-DNA position 4337, A replaced by G.
Protein change: p.Asn1446Ser; replaces asparagine 1446 with serine.
Molecular consequence: missense variant.
Genome position (GRCh38, 1-based): chr2:21,012,531, T>C on the plus strand (A>G on the coding strand, the complement: APOB is on the minus strand). VCF-style: chr2-21012531-T-C. GRCh37 (hg19) VCF-style: chr2-21235403-T-C.
Other names: short protein forms N1446S.
Identifiers: ClinVar variation 3761120 (VCV003761120.2).

ClinVar aggregate classification (germline): Uncertain significance (1 of 4 stars; one submission).

Conditions:
Familial hypobetalipoproteinemia 1. Also called: APOB-Related Familial Hypobetalipoproteinemia; Hypobetalipoproteinemia, normotriglyceridemic; Acanthocytosis with hypobetalipoproteinemia. Identifiers: MedGen C4551990, MONDO:0014252, OMIM 615558.
Hypercholesterolemia, autosomal dominant, type B (FHCL2). Also called: Familial Hypercholesterolemia Type B; APOLIPOPROTEIN B-100, FAMILIAL DEFECTIVE; APOLIPOPROTEIN B-100, FAMILIAL LIGAND-DEFECTIVE; HYPERCHOLESTEROLEMIA, FAMILIAL, DUE TO LIGAND-DEFECTIVE APOLIPOPROTEIN B; Hyperlipoproteinemia Type IIb; Familial hypercholesterolemia 2. Identifiers: MedGen C1704417, MONDO:0007751, OMIM 144010.

Submission:

Labcorp Genetics (formerly Invitae), Labcorp
Classification: Uncertain significance for Familial hypobetalipoproteinemia 1; Hypercholesterolemia, autosomal dominant, type B. Last evaluated: 2024-12-09. Review status: criteria provided, single submitter. Criteria: Invitae Variant Classification Sherloc (09022015). Collection method: clinical testing. Allele origin: germline.
Comment: This sequence change replaces asparagine, which is neutral and polar, with serine, which is neutral and polar, at codon 1446 of the APOB protein (p.Asn1446Ser). This variant is not present in population databases (gnomAD no frequency). This variant has not been reported in the literature in individuals affected with APOB-related conditions. Invitae Evidence Modeling of protein sequence and biophysical properties (such as structural, functional, and spatial information, amino acid conservation, physicochemical variation, residue mobility, and thermodynamic stability) indicates that this missense variant is not expected to disrupt APOB protein function with a negative predictive value of 95%. In summary, the available evidence is currently insufficient to determine the role of this variant in disease. Therefore, it has been classified as a Variant of Uncertain Significance.